The following is an entry in ClinVar:

NM_001378778.1(MPDZ):c.4624A>G (p.Ile1542Val)

Gene: MPDZ (multiple PDZ domain crumbs cell polarity complex component; minus strand). Cytogenetic location: 9p23.
Variant type: single nucleotide variant.
Coding change: c.4624A>G on transcript NM_001378778.1 (MANE Select); coding-DNA position 4624, A replaced by G.
Protein change: p.Ile1542Val; replaces isoleucine 1542 with valine.
Molecular consequence: missense variant.
Genome position (GRCh38, 1-based): chr9:13,126,524, T>C on the plus strand (A>G on the coding strand, the complement: MPDZ is on the minus strand). VCF-style: chr9-13126524-T-C. GRCh37 (hg19) VCF-style: chr9-13126523-T-C.
Other names: c.4525A>G, p.Ile1509Val (NM_001261406.2, NM_001261407.2, NM_001375416.1 and 3 more transcripts); c.4624A>G, p.Ile1542Val (NM_001330637.2, NM_003829.5); c.4723A>G, p.Ile1575Val (NM_001375413.1); c.4414A>G, p.Ile1472Val (NM_001375420.1, NM_001375421.1, NM_001375422.1 and 4 more transcripts); c.4216A>G, p.Ile1406Val (NM_001375427.1); c.4624A>G (NM_003829.3); short protein forms I1542V, I1406V, I1472V, I1575V, I1509V.
Identifiers: ClinVar variation 2184178 (VCV002184178.4), dbSNP rs375444144, ClinGen allele CA4986633.
Genomic context (GRCh38, chr9:13,126,524, plus strand): 5'-TCATGCCCAAGGATGGGCCTACATTACCATTTACTTTATTTTGGAAAATTACCTTTTCAA[T>C]AGGGTAACCAACAACAATTTCATCATCTACAGCCAGTATCTGATCTCCGACTTTGAGTCG-3'
Protein context (NP_001365707.1, residues 1532-1552): VDDEIVVGYP[Ile1542Val]EKFISLLKTA

ClinVar aggregate classification (germline): Conflicting classifications of pathogenicity. Review status: criteria provided, conflicting classifications (1 of 4 stars). 3 submissions from 3 submitters: Uncertain significance (1); Likely benign (2). Last evaluated 2024-10-25.

Conditions:
Inborn genetic diseases. Identifiers: MedGen C0950123, MeSH D030342.

Allele frequency attached by ClinVar (database versions not stated): gnomAD 0.00001; TOPMed 0.00003; ExAC 0.00008; ESP Exome Variant Server 0.00017; gnomAD exomes 0.00017.
gnomAD v4.1: 234 of 1,562,074 alleles (0.015%); highest among the groups gnomAD compares: Non-Finnish European, 0.02%; no homozygotes.

Submissions (3):

Labcorp Genetics (formerly Invitae), Labcorp
Classification: Uncertain significance. Last evaluated: 2024-10-25. Review status: criteria provided, single submitter. Criteria: Invitae Variant Classification Sherloc (09022015). Collection method: clinical testing. Allele origin: germline.
Comment: This sequence change replaces isoleucine, which is neutral and non-polar, with valine, which is neutral and non-polar, at codon 1542 of the MPDZ protein (p.Ile1542Val). This variant is present in population databases (rs375444144, gnomAD 0.006%). This variant has not been reported in the literature in individuals affected with MPDZ-related conditions. ClinVar contains an entry for this variant (Variation ID: 2184178). An algorithm developed to predict the effect of missense changes on protein structure and function outputs the following: PolyPhen-2: "Benign". The valine amino acid residue is found in multiple mammalian species, which suggests that this missense change does not adversely affect protein function. In summary, the available evidence is currently insufficient to determine the role of this variant in disease. Therefore, it has been classified as a Variant of Uncertain Significance.

Ambry Genetics
Classification: Likely benign for Inborn genetic diseases. Last evaluated: 2024-08-05. Review status: criteria provided, single submitter. Criteria: Ambry Variant Classification Scheme 2023. Collection method: clinical testing. Allele origin: germline.

Blueprint Genetics
Classification: Likely benign. Last evaluated: 2023-04-28. Review status: criteria provided, single submitter. Criteria: ACMG Guidelines, 2015. Collection method: clinical testing. Allele origin: germline.